The following is an entry in ClinVar:

NM_000543.5(SMPD1):c.994C>T (p.Pro332Ser)

Gene: SMPD1 (sphingomyelin phosphodiesterase 1; plus strand). Cytogenetic location: 11p15.4.
Variant type: single nucleotide variant.
Coding change: c.994C>T on transcript NM_000543.5 (MANE Select); coding-DNA position 994, C replaced by T.
Protein change: p.Pro332Ser; replaces proline 332 with serine.
Molecular consequence: missense variant. On other transcripts: synonymous variant (1), non-coding transcript variant (1).
Genome position (GRCh38, 1-based): chr11:6,392,059, C>T. VCF-style: chr11-6392059-C-T. GRCh37 (hg19) VCF-style: chr11-6413289-C-T.
Other names: c.991C>T, p.Pro331Ser (NM_001007593.3); c.994C>T, p.Pro332Ser (NM_001318087.2, NM_001365135.2); c.33C>T, p.Pro11= (NM_001318088.2); short protein forms P332S, P331S.
Identifiers: ClinVar variation 2934614 (VCV002934614.3), dbSNP rs1327201504, ClinGen allele CA379371557.
Genomic context (GRCh38, chr11:6,392,059, plus strand): 5'-GTGCCAGTGTACCCTGCTGTGGGTAACCATGAAAGCACACCTGTCAATAGCTTCCCTCCC[C>T]CCTTCATTGAGGGCAACCACTCCTCCCGCTGGCTCTATGAAGCGATGGCCAAGGCTTGGG-3'
Protein context (NP_000534.3, residues 322-342): ESTPVNSFPP[Pro332Ser]FIEGNHSSRW

ClinVar aggregate classification (germline): Likely pathogenic (1 of 4 stars; one submission).

Conditions:
Niemann-Pick disease, type B. Also called: Chronic Visceral ASMD (Niemann-Pick Disease Type B; NPD-B). Identifiers: Orphanet 77293, MedGen C0268243, MONDO:0011871, OMIM 607616. Disease mechanism: loss of function.
Niemann-Pick disease, type A. Also called: SPHINGOMYELIN LIPIDOSIS; SPHINGOMYELINASE DEFICIENCY; Infantile Neurovisceral ASMD (Niemann-Pick Disease Type A; NPD-A). Identifiers: Orphanet 77292, MedGen C0268242, MONDO:0009756, OMIM 257200. Disease mechanism: loss of function.

Submission:

Labcorp Genetics (formerly Invitae), Labcorp
Classification: Likely pathogenic for Niemann-Pick disease, type B; Niemann-Pick disease, type A. Last evaluated: 2023-04-09. Review status: criteria provided, single submitter. Criteria: Invitae Variant Classification Sherloc (09022015). Collection method: clinical testing. Allele origin: germline.
Comment: This variant is not present in population databases (gnomAD no frequency). In summary, the currently available evidence indicates that the variant is pathogenic, but additional data are needed to prove that conclusively. Therefore, this variant has been classified as Likely Pathogenic. This variant disrupts the p.Pro332 amino acid residue in SMPD1. Other variant(s) that disrupt this residue have been determined to be pathogenic (PMID: 15545621, 17011332; Invitae). This suggests that this residue is clinically significant, and that variants that disrupt this residue are likely to be disease-causing. Advanced modeling of protein sequence and biophysical properties (such as structural, functional, and spatial information, amino acid conservation, physicochemical variation, residue mobility, and thermodynamic stability) performed at Invitae indicates that this missense variant is expected to disrupt SMPD1 protein function. This variant has not been reported in the literature in individuals affected with SMPD1-related conditions. This sequence change replaces proline, which is neutral and non-polar, with serine, which is neutral and polar, at codon 332 of the SMPD1 protein (p.Pro332Ser).

Literature cited by the submitters: PubMed 15545621; PubMed 17011332.